The following is an entry in ClinVar:

NM_000132.4(F8):c.5254G>C (p.Val1752Leu)

Gene: F8 (coagulation factor VIII; minus strand). Cytogenetic location: Xq28.
Variant type: single nucleotide variant.
Coding change: c.5254G>C on transcript NM_000132.4 (MANE Select); coding-DNA position 5254, G replaced by C.
Protein change: p.Val1752Leu; replaces valine 1752 with leucine.
Molecular consequence: missense variant.
Genome position (GRCh38, 1-based): chrX:154,906,539, C>G on the plus strand (G>C on the coding strand, the complement: F8 is on the minus strand). VCF-style: chrX-154906539-C-G. GRCh37 (hg19) VCF-style: chrX-154134814-C-G.
Other names: short protein forms V1752L.
Identifiers: ClinVar variation 3906959 (VCV003906959.2).

ClinVar aggregate classification (germline): Likely pathogenic (1 of 4 stars; one submission).

Conditions:
Thrombophilia, X-linked, due to factor 8 defect. Also called: THROMBOPHILIA, X-LINKED, DUE TO FACTOR VIII DEFECT; Thrombophilia 13, X-linked, due to factor VIII defect. Identifiers: MedGen C5676879, MONDO:0859082, OMIM 301071.
Hereditary factor VIII deficiency disease (HEMA). Also called: HEMOPHILIA, CLASSIC; AUTOSOMAL HEMOPHILIA A; Hemophilia A; Hemophilia A, congenital; HEM A; Factor 8 deficiency, congenital. Identifiers: Orphanet 98878, MedGen C0019069, MONDO:0010602, OMIM 306700.

Submission:

Juno Genomics, Hangzhou Juno Genomics, Inc
Classification: Likely pathogenic for Thrombophilia, X-linked, due to factor 8 defect; Hereditary factor VIII deficiency disease. Review status: criteria provided, single submitter. Criteria: ACMG Guidelines, 2015. Collection method: clinical testing. Allele origin: germline. Affected: yes.
Comment: Absent from controls (or at extremely low frequency if recessive) in Genome Aggregation Database, Exome Sequencing Project, 1000 Genomes Project, or Exome Aggregation Consortium.;Multiple lines of computational evidence support a deleterious effect on the gene or gene product (conservation, evolutionary, splicing impact, etc).;The prevalence of the variant in affected individuals is significantly increased compared to the prevalence in controls.;Co-segregation with disease in multiple affected family members in a gene definitively known to cause the disease.